The following is an entry in ClinVar:

NM_000051.4(ATM):c.6229C>G (p.Leu2077Val)

Genes: ATM (ATM serine/threonine kinase; plus strand), C11orf65 (chromosome 11 open reading frame 65; minus strand). Cytogenetic location: 11q22.3.
Variant type: single nucleotide variant.
Coding change: c.6229C>G on transcript NM_000051.4 (MANE Select); coding-DNA position 6229, C replaced by G.
Protein change: p.Leu2077Val; replaces leucine 2077 with valine.
Molecular consequence: missense variant. On other transcripts: intron variant (2).
Genome position (GRCh38, 1-based): chr11:108,317,403, C>G. VCF-style: chr11-108317403-C-G. GRCh37 (hg19) VCF-style: chr11-108188130-C-G.
Other names: c.6229C>G, p.Leu2077Val (NM_001351834.2); c.641-8332G>C (NM_001330368.2); c.*39-8332G>C (NM_001351110.2); short protein forms L2077V.
Identifiers: ClinVar variation 655204 (VCV000655204.10), dbSNP rs1591789195, ClinGen allele CA382551167.

ClinVar aggregate classification (germline): Uncertain significance. Review status: criteria provided, multiple submitters, no conflicts (2 of 4 stars). 2 submissions from 2 submitters: Uncertain significance (2). Last evaluated 2026-04-13.

Conditions:
Hereditary cancer-predisposing syndrome. Also called: Tumor predisposition; Hereditary neoplastic syndrome; Neoplastic Syndromes, Hereditary; Hereditary Cancer Syndrome. Identifiers: Orphanet 140162, MedGen C0027672, MeSH D009386, MONDO:0015356.
Ataxia-telangiectasia syndrome (AT). Also called: Ataxia-telangiectasia, complementation group D; AT, COMPLEMENTATION GROUP C; ATAXIA-TELANGIECTASIA, COMPLEMENTATION GROUP A; ATAXIA-TELANGIECTASIA, FRESNO VARIANT; Ataxia-telangiectasia; LOUIS-BAR SYNDROME. Identifiers: Orphanet 100, MedGen C0004135, MONDO:0008840, OMIM 208900.

Submissions (2):

Ambry Genetics
Classification: Uncertain significance for Hereditary cancer-predisposing syndrome. Last evaluated: 2026-04-13. Review status: criteria provided, single submitter. Criteria: Ambry Variant Classification Scheme 2023. Collection method: clinical testing. Allele origin: germline.
Comment: The p.L2077V variant (also known as c.6229C>G), located in coding exon 42 of the ATM gene, results from a C to G substitution at nucleotide position 6229. The leucine at codon 2077 is replaced by valine, an amino acid with highly similar properties. This amino acid position is conserved. In addition, the in silico prediction for this alteration is inconclusive. Based on the available evidence, the clinical significance of this variant remains unclear.

Labcorp Genetics (formerly Invitae), Labcorp
Classification: Uncertain significance for Ataxia-telangiectasia syndrome. Last evaluated: 2018-07-31. Review status: criteria provided, single submitter. Criteria: Invitae Variant Classification Sherloc (09022015). Collection method: clinical testing. Allele origin: germline.
Comment: In summary, the available evidence is currently insufficient to determine the role of this variant in disease. Therefore, it has been classified as a Variant of Uncertain Significance. This sequence change replaces leucine with valine at codon 2077 of the ATM protein (p.Leu2077Val). The leucine residue is highly conserved and there is a small physicochemical difference between leucine and valine. This variant is not present in population databases (ExAC no frequency). This variant has not been reported in the literature in individuals with ATM-related disease. Algorithms developed to predict the effect of missense changes on protein structure and function (SIFT, PolyPhen-2, Align-GVGD) all suggest that this variant is likely to be disruptive, but these predictions have not been confirmed by published functional studies and their clinical significance is uncertain.